The following is an entry in ClinVar:

ClinVar aggregate classification (germline): Likely benign. Review status: criteria provided, single submitter (1 of 4 stars). 2 submissions from 2 submitters: Likely benign (1). 1 of the submissions does not count toward it. Last evaluated 2025-10-25.

Conditions:
MYSM1-related disorder. Also called: MYSM1-related condition.

Submissions (2):

Labcorp Genetics (formerly Invitae), Labcorp
Classification: Likely benign. Last evaluated: 2025-10-25. Review status: criteria provided, single submitter. Criteria: Invitae Variant Classification Sherloc (09022015). Collection method: clinical testing. Allele origin: germline.

PreventionGenetics, part of Exact Sciences
Classification: Likely benign for MYSM1-related condition. Last evaluated: 2024-02-22. Review status: no assertion criteria provided. Collection method: clinical testing. Allele origin: germline. Not counted in ClinVar's aggregate classification.
Comment: This variant is classified as likely benign based on ACMG/AMP sequence variant interpretation guidelines (Richards et al. 2015 PMID: 25741868, with internal and published modifications).

NM_001085487.3(MYSM1):c.1662-10del

Gene: MYSM1 (Myb like, SWIRM and MPN domains 1; minus strand). Cytogenetic location: 1p32.1.
Variant type: Deletion.
Coding change: c.1662-10del on transcript NM_001085487.3 (MANE Select); 10 bases into the intron before coding-DNA position 1662, one base deleted (T; older notation c.1662-10delT).
Molecular consequence: intron variant.
Genome position (GRCh38, 1-based): chr1:58,669,048, A deleted on the plus strand (T on the coding strand, the reverse complement: MYSM1 is on the minus strand); the first of 8 consecutive A bases (chr1:58,669,048-58,669,055); deleting any one gives the same sequence. VCF-style (leftmost placement, unchanged base first): chr1-58669047-GA-G. GRCh37 (hg19) VCF-style: chr1-59134719-GA-G.
Other names: c.1662-10delT (NM_001085487.2).
Identifiers: ClinVar variation 797174 (VCV000797174.10), dbSNP rs554896996, ClinGen allele CA877720.